The following is an entry in ClinVar:

ClinVar aggregate classification (germline): Uncertain significance (1 of 4 stars; one submission).

Submission:

GeneDx
Classification: Uncertain significance. Last evaluated: 2026-03-18. Review status: criteria provided, single submitter. Criteria: GeneDx Variant Classification Process June 2021. Collection method: clinical testing. Allele origin: germline.
Comment: Not observed at significant frequency in large population cohorts (gnomAD); In silico analysis supports that this missense variant has a deleterious effect on protein structure/function; Has not been previously published as pathogenic or benign to our knowledge

NM_004667.6(HERC2):c.10067C>T (p.Ser3356Leu)

Gene: HERC2 (HECT and RLD domain containing E3 ubiquitin protein ligase 2; minus strand). Cytogenetic location: 15q13.1.
Variant type: single nucleotide variant.
Coding change: c.10067C>T on transcript NM_004667.6 (MANE Select); coding-DNA position 10067, C replaced by T.
Protein change: p.Ser3356Leu; replaces serine 3356 with leucine.
Molecular consequence: missense variant.
Genome position (GRCh38, 1-based): chr15:28,169,646, G>A on the plus strand (C>T on the coding strand, the complement: HERC2 is on the minus strand). VCF-style: chr15-28169646-G-A. GRCh37 (hg19) VCF-style: chr15-28414792-G-A.
Other names: short protein forms S3356L.
Identifiers: ClinVar variation 5008917 (VCV005008917.1).
Genomic context (GRCh38, chr15:28,169,646, plus strand): 5'-TTTGGCTTAGAATTACTTGCACCACTTATTTTATTACTGGCAGCAGAAGAATCAGCATCT[G>A]AAGGCACGCCTATAAGAGGAAAATAAAATTTGCATTGTTTTTAAAATCACAGTTTGATCT-3'
Protein context (NP_004658.3, residues 3346-3366): PLGASYLGVP[Ser3356Leu]DADSSAASNK